The following is an entry in ClinVar:

ClinVar aggregate classification (germline): Uncertain significance (1 of 4 stars; one submission).

Conditions:
Inborn genetic diseases. Identifiers: MedGen C0950123, MeSH D030342.

Submission:

Ambry Genetics
Classification: Uncertain significance for Inborn genetic diseases. Last evaluated: 2025-08-28. Review status: criteria provided, single submitter. Criteria: Ambry Variant Classification Scheme 2023. Collection method: clinical testing. Allele origin: germline.
Comment: The p.H357Q variant (also known as c.1071T>A), located in coding exon 5 of the SH2B3 gene, results from a T to A substitution at nucleotide position 1071. The histidine at codon 357 is replaced by glutamine, an amino acid with highly similar properties. This amino acid position is conserved. In addition, this alteration is predicted to be tolerated by in silico analysis. Based on the available evidence, the clinical significance of this variant remains unclear.

NM_005475.3(SH2B3):c.1071T>A (p.His357Gln)

Gene: SH2B3 (SH2B adaptor protein 3; plus strand). Cytogenetic location: 12q24.12.
Variant type: single nucleotide variant.
Coding change: c.1071T>A on transcript NM_005475.3 (MANE Select); coding-DNA position 1071, T replaced by A.
Protein change: p.His357Gln; replaces histidine 357 with glutamine.
Molecular consequence: missense variant.
Genome position (GRCh38, 1-based): chr12:111,447,379, T>A. VCF-style: chr12-111447379-T-A. GRCh37 (hg19) VCF-style: chr12-111885183-T-A.
Other names: c.465T>A, p.His155Gln (NM_001291424.1); short protein forms H155Q, H357Q.
Identifiers: ClinVar variation 4164011 (VCV004164011.1).
Genomic context (GRCh38, chr12:111,447,379, plus strand): 5'-TTATCTAACAGGTGCTTCTCCTGGGGGGCTGCTGGACCCGGCCTGCCAGAAGACGGACCA[T>A]TTCCTGTCCTGCTACCCCTGGTTCCACGGCCCCATCTCCAGAGTGAAAGCAGCTCAGCTG-3'
Protein context (NP_005466.1, residues 347-367): LLDPACQKTD[His357Gln]FLSCYPWFHG